The following is an entry in ClinVar:

ClinVar aggregate classification (germline): Likely benign. Review status: criteria provided, multiple submitters, no conflicts (2 of 4 stars). 9 submissions from 9 submitters: Likely benign (6). 3 of the submissions do not count toward it. Last evaluated 2025-11-05.

Conditions:
Cardiomyopathy (CMYO). Also called: Cardiomyopathies. Identifiers: Orphanet 167848, MedGen C0878544, MONDO:0004994, HP:0001638. Inheritance: Various modes of inheritance.
Cardiovascular phenotype. Identifiers: MedGen CN230736.
Autosomal recessive limb-girdle muscular dystrophy type 2J (LGMDR10). Also called: Limb-girdle muscular dystrophy, type 2J; MUSCULAR DYSTROPHY, LIMB-GIRDLE, AUTOSOMAL RECESSIVE 10. Identifiers: Orphanet 140922, MedGen C1837342, MONDO:0012127, OMIM 608807.
Dilated cardiomyopathy 1G (CMD1G). Identifiers: Orphanet 154, MedGen C1858763, MONDO:0011400, OMIM 604145.

Allele frequency attached by ClinVar (database versions not stated): gnomAD 0.00001; gnomAD exomes 0.00001 and 0.00002; ExAC 0.00002; TOPMed 0.00002.
gnomAD v4.1: 32 of 1,613,306 alleles (0.002%); highest among the groups gnomAD compares: Non-Finnish European, 0.0027%; no homozygotes.

Submissions (9):

Labcorp Genetics (formerly Invitae), Labcorp
Classification: Likely benign for Dilated cardiomyopathy 1G; Autosomal recessive limb-girdle muscular dystrophy type 2J. Last evaluated: 2025-11-05. Review status: criteria provided, single submitter. Criteria: Invitae Variant Classification Sherloc (09022015). Collection method: clinical testing. Allele origin: germline.

CeGaT Center for Human Genetics Tuebingen
Classification: Likely benign. Last evaluated: 2025-03-01. Review status: criteria provided, single submitter. Criteria: CeGaT Center For Human Genetics Tuebingen Variant Classification Criteria Version 2. Collection method: clinical testing. Allele origin: germline. Affected: yes. Observed: 1 variant allele.
Comment: TTN: BP4, BP7

Blueprint Genetics
Classification: Likely benign. Last evaluated: 2024-07-04. Review status: criteria provided, single submitter. Criteria: ACMG Guidelines, 2015. Collection method: clinical testing. Allele origin: germline.

Ambry Genetics
Classification: Likely benign for Cardiovascular phenotype. Last evaluated: 2022-06-27. Review status: criteria provided, single submitter. Criteria: Ambry Variant Classification Scheme 2023. Collection method: clinical testing. Allele origin: germline.

CHEO Genetics Diagnostic Laboratory, Children's Hospital of Eastern Ontario
Classification: Likely benign for Cardiomyopathy. Last evaluated: 2017-11-06. Review status: criteria provided, single submitter. Criteria: ACMG Guidelines, 2015. Collection method: clinical testing. Allele origin: germline.

GeneDx
Classification: Likely benign. Last evaluated: 2017-01-16. Review status: criteria provided, single submitter. Criteria: GeneDx Variant Classification (06012015). Collection method: clinical testing. Allele origin: germline. Affected: yes.
Comment: This variant is considered likely benign or benign based on one or more of the following criteria: it is a conservative change, it occurs at a poorly conserved position in the protein, it is predicted to be benign by multiple in silico algorithms, and/or has population frequency not consistent with disease.

Clinical Genetics, Academic Medical Center
Classification: Benign. Review status: no assertion criteria provided. Collection method: clinical testing. Allele origin: germline. Affected: yes. Study: VKGL Data-share Consensus. Not counted in ClinVar's aggregate classification.

Diagnostic Laboratory, Department of Genetics, University Medical Center Groningen
Classification: Likely benign. Review status: no assertion criteria provided. Collection method: clinical testing. Allele origin: germline. Affected: yes. Study: VKGL Data-share Consensus. Not counted in ClinVar's aggregate classification.

Joint Genome Diagnostic Labs from Nijmegen and Maastricht, Radboudumc and MUMC+
Classification: Benign. Review status: no assertion criteria provided. Collection method: clinical testing. Allele origin: germline. Affected: yes. Study: VKGL Data-share Consensus. Not counted in ClinVar's aggregate classification.

NM_001267550.2(TTN):c.58299T>G (p.Thr19433=)

Genes: TTN (titin; minus strand), TTN-AS1 (TTN antisense RNA 1; plus strand). Cytogenetic location: 2q31.2.
Variant type: single nucleotide variant.
Coding change: c.58299T>G on transcript NM_001267550.2 (MANE Select); coding-DNA position 58299, T replaced by G.
Protein change: p.Thr19433=; no amino-acid change (threonine 19433 retained).
Molecular consequence: synonymous variant.
Genome position (GRCh38, 1-based): chr2:178,594,094, A>C on the plus strand (T>G on the coding strand, the complement: TTN is on the minus strand). VCF-style: chr2-178594094-A-C. GRCh37 (hg19) VCF-style: chr2-179458821-A-C.
Other names: c.53376T>G, p.Thr17792= (NM_001256850.1); c.31104T>G, p.Thr10368= (NM_003319.4); c.50595T>G, p.Thr16865= (NM_133378.4); c.31479T>G, p.Thr10493= (NM_133432.3); c.31680T>G, p.Thr10560= (NM_133437.4).
Identifiers: ClinVar variation 392848 (VCV000392848.46), dbSNP rs778334134, ClinGen allele CA1992890.